The following is an entry in ClinVar:

NM_001370466.1(NOD2):c.2048G>A (p.Cys683Tyr)

Gene: NOD2 (nucleotide binding oligomerization domain containing 2; plus strand). Cytogenetic location: 16q12.1.
Variant type: single nucleotide variant.
Coding change: c.2048G>A on transcript NM_001370466.1 (MANE Select); coding-DNA position 2048, G replaced by A.
Protein change: p.Cys683Tyr; replaces cysteine 683 with tyrosine.
Molecular consequence: missense variant. On other transcripts: non-coding transcript variant (1).
Genome position (GRCh38, 1-based): chr16:50,712,040, G>A. VCF-style: chr16-50712040-G-A. GRCh37 (hg19) VCF-style: chr16-50745951-G-A.
Other names: c.2048G>A, p.Cys683Tyr (NM_001293557.2); c.2129G>A, p.Cys710Tyr (NM_022162.3); short protein forms C683Y, C710Y.
Identifiers: ClinVar variation 3778424 (VCV003778424.7).

ClinVar aggregate classification (germline): Uncertain significance (1 of 4 stars; one submission).

Submission:

CeGaT Center for Human Genetics Tuebingen
Classification: Uncertain significance. Last evaluated: 2025-03-01. Review status: criteria provided, single submitter. Criteria: CeGaT Center For Human Genetics Tuebingen Variant Classification Criteria Version 2. Collection method: clinical testing. Allele origin: germline. Affected: yes. Observed: 1 variant allele.
Comment: NOD2: PM2, BP4